The following is an entry in ClinVar:

NM_001379270.1(CNGA1):c.1096G>C (p.Val366Leu)

Genes: CNGA1 (cyclic nucleotide gated channel subunit alpha 1; minus strand), LOC101927157 (uncharacterized LOC101927157; plus strand). Cytogenetic location: 4p12.
Variant type: single nucleotide variant.
Coding change: c.1096G>C on transcript NM_001379270.1 (MANE Select); coding-DNA position 1096, G replaced by C.
Protein change: p.Val366Leu; replaces valine 366 with leucine.
Molecular consequence: missense variant.
Genome position (GRCh38, 1-based): chr4:47,937,386, C>G on the plus strand (G>C on the coding strand, the complement: CNGA1 is on the minus strand). VCF-style: chr4-47937386-C-G. GRCh37 (hg19) VCF-style: chr4-47939403-C-G.
Other names: c.1096G>C, p.Val366Leu (NM_000087.5, NM_001142564.2); short protein forms V366L.
Identifiers: ClinVar variation 1949161 (VCV001949161.5), dbSNP rs758625358, ClinGen allele CA356827107.

ClinVar aggregate classification (germline): Uncertain significance (1 of 4 stars; one submission).

Submission:

Labcorp Genetics (formerly Invitae), Labcorp
Classification: Uncertain significance. Last evaluated: 2022-01-04. Review status: criteria provided, single submitter. Criteria: Invitae Variant Classification Sherloc (09022015). Collection method: clinical testing. Allele origin: germline.
Comment: This variant is not present in population databases (gnomAD no frequency). This sequence change replaces valine, which is neutral and non-polar, with leucine, which is neutral and non-polar, at codon 370 of the CNGA1 protein (p.Val370Leu). This variant has not been reported in the literature in individuals affected with CNGA1-related conditions. In summary, the available evidence is currently insufficient to determine the role of this variant in disease. Therefore, it has been classified as a Variant of Uncertain Significance. Algorithms developed to predict the effect of missense changes on protein structure and function (SIFT, PolyPhen-2, Align-GVGD) all suggest that this variant is likely to be tolerated.